The following is an entry in ClinVar:

ClinVar aggregate classification (germline): Uncertain significance (1 of 4 stars; one submission).

Submission:

Laboratory for Molecular Medicine, Mass General Brigham Personalized Medicine
Classification: Uncertain significance. Last evaluated: 2017-05-22. Review status: criteria provided, single submitter. Criteria: LMM Criteria. Collection method: clinical testing. Allele origin: germline. Observed: 1 variant allele.
Comment: The p.Asp1717Val variant in COL11A2 has not been previously reported in individu als with hearing loss and was absent from large population studies. Computationa l prediction tools and conservation analysis suggest that the p.Asp1717Val varia nt may impact the protein, though this information is not predictive enough to d etermine pathogenicity. In summary, the clinical significance of the p.Asp1717Va l variant is uncertain.

NM_080680.3(COL11A2):c.5150A>T (p.Asp1717Val)

Gene: COL11A2 (collagen type XI alpha 2 chain; minus strand). Cytogenetic location: 6p21.32.
Variant type: single nucleotide variant.
Coding change: c.5150A>T on transcript NM_080680.3 (MANE Select); coding-DNA position 5150, A replaced by T.
Protein change: p.Asp1717Val; replaces aspartic acid 1717 with valine.
Molecular consequence: missense variant.
Genome position (GRCh38, 1-based): chr6:33,163,739, T>A on the plus strand (A>T on the coding strand, the complement: COL11A2 is on the minus strand). VCF-style: chr6-33163739-T-A. GRCh37 (hg19) VCF-style: chr6-33131516-T-A.
Other names: c.4829A>T, p.Asp1610Val (NM_080679.3); c.4892A>T, p.Asp1631Val (NM_080681.3); short protein forms D1717V, D1610V, D1631V.
Identifiers: ClinVar variation 517365 (VCV000517365.4), dbSNP rs1554210895, ClinGen allele CA363615499.